The following is an entry in ClinVar:

ClinVar aggregate classification (germline): Uncertain significance. Review status: criteria provided, multiple submitters, no conflicts (2 of 4 stars). 2 submissions from 2 submitters: Uncertain significance (2). Last evaluated 2022-08-30.

Conditions:
Mosaic variegated aneuploidy syndrome 2 (MVA2). Identifiers: Orphanet 1052, MedGen C3279843, MONDO:0013582, OMIM 614114.

Allele frequency attached by ClinVar (database versions not stated): ExAC 0.00001; gnomAD 0.00001; gnomAD exomes 0.00001; TOPMed 0.00002.
gnomAD v4.1: 17 of 1,613,950 alleles (0.0011%); highest among the groups gnomAD compares: East Asian, 0.025%; no homozygotes.

Submissions (2):

Labcorp Genetics (formerly Invitae), Labcorp
Classification: Uncertain significance for Mosaic variegated aneuploidy syndrome 2. Last evaluated: 2022-08-30. Review status: criteria provided, single submitter. Criteria: Invitae Variant Classification Sherloc (09022015). Collection method: clinical testing. Allele origin: germline.
Comment: In summary, the available evidence is currently insufficient to determine the role of this variant in disease. Therefore, it has been classified as a Variant of Uncertain Significance. Algorithms developed to predict the effect of missense changes on protein structure and function are either unavailable or do not agree on the potential impact of this missense change (SIFT: "Deleterious"; PolyPhen-2: "Possibly Damaging"; Align-GVGD: "Class C0"). ClinVar contains an entry for this variant (Variation ID: 1341330). This variant has not been reported in the literature in individuals affected with CEP57-related conditions. This variant is present in population databases (rs749519225, gnomAD 0.008%). This sequence change replaces arginine, which is basic and polar, with cysteine, which is neutral and slightly polar, at codon 52 of the CEP57 protein (p.Arg52Cys).

Baylor Genetics
Classification: Uncertain significance for Mosaic variegated aneuploidy syndrome 2. Last evaluated: 2022-01-25. Review status: criteria provided, single submitter. Criteria: ACMG Guidelines, 2015. Collection method: clinical testing. Allele origin: unknown. Affected: yes. Study: CSER-TexasKidsCanSeq.
Comment: This variant was determined to be of uncertain significance according to ACMG Guidelines, 2015 [PMID:25741868].

NM_014679.5(CEP57):c.154C>T (p.Arg52Cys)

Gene: CEP57 (centrosomal protein 57; plus strand). Cytogenetic location: 11q21.
Variant type: single nucleotide variant.
Coding change: c.154C>T on transcript NM_014679.5 (MANE Select); coding-DNA position 154, C replaced by T.
Protein change: p.Arg52Cys; replaces arginine 52 with cysteine.
Molecular consequence: missense variant.
Genome position (GRCh38, 1-based): chr11:95,799,340, C>T. VCF-style: chr11-95799340-C-T. GRCh37 (hg19) VCF-style: chr11-95532504-C-T.
Other names: c.127C>T, p.Arg43Cys (NM_001243776.2); c.154C>T, p.Arg52Cys (NM_001243777.2); c.73C>T, p.Arg25Cys (NM_001363604.2); short protein forms R25C, R43C, R52C.
Identifiers: ClinVar variation 1341330 (VCV001341330.6), dbSNP rs749519225, ClinGen allele CA6239379.